The following is an entry in ClinVar:

NM_001282933.2(ZNF341):c.2189G>A (p.Arg730His)

Genes: ZNF341 (zinc finger protein 341; plus strand), ZNF341-AS1 (ZNF341 antisense RNA 1; minus strand). Cytogenetic location: 20q11.22.
Variant type: single nucleotide variant.
Coding change: c.2189G>A on transcript NM_001282933.2 (MANE Select); coding-DNA position 2189, G replaced by A.
Protein change: p.Arg730His; replaces arginine 730 with histidine.
Molecular consequence: missense variant. On other transcripts: non-coding transcript variant (1).
Genome position (GRCh38, 1-based): chr20:33,791,141, G>A. VCF-style: chr20-33791141-G-A. GRCh37 (hg19) VCF-style: chr20-32378947-G-A.
Other names: c.1919G>A, p.Arg640His (NM_001282935.2); c.2168G>A, p.Arg723His (NM_032819.5); short protein forms R723H, R730H, R640H.
Identifiers: ClinVar variation 1386356 (VCV001386356.6), dbSNP rs773489613, ClinGen allele CA9819730.

ClinVar aggregate classification (germline): Uncertain significance (1 of 4 stars; one submission).

Allele frequency attached by ClinVar (database versions not stated): gnomAD exomes 0.00003 and 0.00005; TOPMed 0.00004; gnomAD 0.00005 and 0.00006; ExAC 0.00007.
gnomAD v4.1: 52 of 1,613,146 alleles (0.0032%); highest among the groups gnomAD compares: Middle Eastern, 0.016%; no homozygotes.

Submission:

Labcorp Genetics (formerly Invitae), Labcorp
Classification: Uncertain significance. Last evaluated: 2024-09-24. Review status: criteria provided, single submitter. Criteria: Invitae Variant Classification Sherloc (09022015). Collection method: clinical testing. Allele origin: germline.
Comment: This sequence change replaces arginine, which is basic and polar, with histidine, which is basic and polar, at codon 723 of the ZNF341 protein (p.Arg723His). This variant is present in population databases (rs773489613, gnomAD 0.03%). This variant has not been reported in the literature in individuals affected with ZNF341-related conditions. ClinVar contains an entry for this variant (Variation ID: 1386356). An algorithm developed to predict the effect of missense changes on protein structure and function (PolyPhen-2) suggests that this variant is likely to be disruptive. In summary, the available evidence is currently insufficient to determine the role of this variant in disease. Therefore, it has been classified as a Variant of Uncertain Significance.